The following is an entry in ClinVar:

ClinVar aggregate classification (germline): Uncertain significance. Review status: criteria provided, multiple submitters, no conflicts (2 of 4 stars). 4 submissions from 4 submitters: Uncertain significance (4). Last evaluated 2024-09-03.

Conditions:
Arrhythmogenic right ventricular dysplasia 9 (ARVD9). Also called: ARRHYTHMOGENIC RIGHT VENTRICULAR DYSPLASIA, FAMILIAL, 9; Arrhythmogenic Right Ventricular Dysplasia/Cardiomyopathy 9. Identifiers: MedGen C1836906, MONDO:0012180, OMIM 609040.
Cardiomyopathy (CMYO). Also called: Cardiomyopathies. Identifiers: Orphanet 167848, MedGen C0878544, MONDO:0004994, HP:0001638. Inheritance: Various modes of inheritance.

Allele frequency attached by ClinVar (database versions not stated): gnomAD 0.00001; gnomAD exomes 0.00001 and 0.00002; ExAC 0.00004.

Submissions (4):

Color Diagnostics, LLC DBA Color Health
Classification: Uncertain significance for Cardiomyopathy. Last evaluated: 2024-09-03. Review status: criteria provided, single submitter. Criteria: ACMG Guidelines, 2015. Collection method: clinical testing. Allele origin: germline.
Comment: This missense variant replaces valine with methionine at codon 357 of the PKP2 protein. Computational prediction suggests that this variant may not impact protein structure and function (internally defined REVEL score threshold <= 0.5, PMID: 27666373). To our knowledge, functional studies have not been reported for this variant. This variant has not been reported in individuals affected with PKP2-related disorders in the literature. This variant has been identified in 7/282672 chromosomes in the general population by the Genome Aggregation Database (gnomAD). The available evidence is insufficient to determine the role of this variant in disease conclusively. Therefore, this variant is classified as a Variant of Uncertain Significance.

Labcorp Genetics (formerly Invitae), Labcorp
Classification: Uncertain significance for Arrhythmogenic right ventricular dysplasia 9. Last evaluated: 2024-01-29. Review status: criteria provided, single submitter. Criteria: Invitae Variant Classification Sherloc (09022015). Collection method: clinical testing. Allele origin: germline.
Comment: This sequence change replaces valine, which is neutral and non-polar, with methionine, which is neutral and non-polar, at codon 357 of the PKP2 protein (p.Val357Met). This variant is present in population databases (rs766334171, gnomAD 0.01%). This variant has not been reported in the literature in individuals affected with PKP2-related conditions. ClinVar contains an entry for this variant (Variation ID: 979115). An algorithm developed to predict the effect of missense changes on protein structure and function (PolyPhen-2) suggests that this variant is likely to be disruptive. In summary, the available evidence is currently insufficient to determine the role of this variant in disease. Therefore, it has been classified as a Variant of Uncertain Significance.

Blueprint Genetics
Classification: Uncertain significance. Last evaluated: 2023-10-25. Review status: criteria provided, single submitter. Criteria: ACMG Guidelines, 2015. Collection method: clinical testing. Allele origin: germline.

Human Genome Sequencing Center Clinical Lab, Baylor College of Medicine
Classification: Uncertain significance for Arrhythmogenic right ventricular dysplasia, type 9. Review status: criteria provided, single submitter. Criteria: ACMG Guidelines, 2015. Collection method: clinical testing. Allele origin: germline.

NM_001005242.3(PKP2):c.1069G>A (p.Val357Met)

Gene: PKP2 (plakophilin 2; minus strand). Cytogenetic location: 12p11.21.
Variant type: single nucleotide variant.
Coding change: c.1069G>A on transcript NM_001005242.3 (MANE Select); coding-DNA position 1069, G replaced by A.
Protein change: p.Val357Met; replaces valine 357 with methionine.
Molecular consequence: missense variant.
Genome position (GRCh38, 1-based): chr12:32,869,028, C>T on the plus strand (G>A on the coding strand, the complement: PKP2 is on the minus strand). VCF-style: chr12-32869028-C-T. GRCh37 (hg19) VCF-style: chr12-33021962-C-T.
Other names: c.1069G>A, p.Val357Met (NM_004572.4); short protein forms V357M.
Identifiers: ClinVar variation 979115 (VCV000979115.11), dbSNP rs766334171, ClinGen allele CA026985.